The following is an entry in ClinVar:

ClinVar aggregate classification (germline): Uncertain significance (1 of 4 stars; one submission).

Allele frequency attached by ClinVar (database versions not stated): ExAC 0.00008; gnomAD 0.00009; TOPMed 0.00012.

Submission:

Labcorp Genetics (formerly Invitae), Labcorp
Classification: Uncertain significance. Last evaluated: 2022-10-18. Review status: criteria provided, single submitter. Criteria: Invitae Variant Classification Sherloc (09022015). Collection method: clinical testing. Allele origin: germline.
Comment: This sequence change replaces valine, which is neutral and non-polar, with methionine, which is neutral and non-polar, at codon 407 of the SLC4A11 protein (p.Val407Met). This variant is present in population databases (rs769018264, gnomAD 0.06%). This variant has not been reported in the literature in individuals affected with SLC4A11-related conditions. Algorithms developed to predict the effect of missense changes on protein structure and function are either unavailable or do not agree on the potential impact of this missense change (SIFT: "Deleterious"; PolyPhen-2: "Probably Damaging"; Align-GVGD: "Class C0"). In summary, the available evidence is currently insufficient to determine the role of this variant in disease. Therefore, it has been classified as a Variant of Uncertain Significance.

NM_001174089.2(SLC4A11):c.1171G>A (p.Val391Met)

Gene: SLC4A11 (solute carrier family 4 member 11; minus strand). Cytogenetic location: 20p13.
Variant type: single nucleotide variant.
Coding change: c.1171G>A on transcript NM_001174089.2 (MANE Select); coding-DNA position 1171, G replaced by A.
Protein change: p.Val391Met; replaces valine 391 with methionine.
Molecular consequence: missense variant. On other transcripts: non-coding transcript variant (3), intron variant (2).
Genome position (GRCh38, 1-based): chr20:3,230,843, C>T on the plus strand (G>A on the coding strand, the complement: SLC4A11 is on the minus strand). VCF-style: chr20-3230843-C-T. GRCh37 (hg19) VCF-style: chr20-3211489-C-T.
Other names: c.1300G>A, p.Val434Met (NM_001174090.2); c.1114G>A, p.Val372Met (NM_001400277.1, NM_001400278.1, NM_001400279.1); c.1219G>A, p.Val407Met (NM_032034.4); c.1168+90G>A (NM_001363745.2); c.1297+90G>A (NM_001400280.1); short protein forms V372M, V407M, V391M, V434M.
Identifiers: ClinVar variation 2152413 (VCV002152413.1), dbSNP rs769018264, ClinGen allele CA9741952.